The following is an entry in ClinVar:

ClinVar aggregate classification (germline): Uncertain significance (1 of 4 stars; one submission).

Conditions:
Ullrich congenital muscular dystrophy 2 (UCMD2). Identifiers: Orphanet 75840, MedGen C4225314, MONDO:0014654, OMIM 616470.
Bethlem myopathy 2 (BTHLM2). Identifiers: Orphanet 536516, Orphanet 610, MedGen C4225313, MONDO:0034022, OMIM 616471.

gnomAD v4.1: 1 of 1,614,172 alleles (0.000062%); highest among the groups gnomAD compares: Admixed American, 0.0017%; no homozygotes.

Submission:

Labcorp Genetics (formerly Invitae), Labcorp
Classification: Uncertain significance for Bethlem myopathy 2; Ullrich congenital muscular dystrophy 2. Last evaluated: 2025-01-23. Review status: criteria provided, single submitter. Criteria: Invitae Variant Classification Sherloc (09022015). Collection method: clinical testing. Allele origin: germline.
Comment: This sequence change replaces aspartic acid, which is acidic and polar, with glycine, which is neutral and non-polar, at codon 578 of the COL12A1 protein (p.Asp578Gly). This variant is not present in population databases (gnomAD no frequency). This variant has not been reported in the literature in individuals affected with COL12A1-related conditions. Invitae Evidence Modeling of protein sequence and biophysical properties (such as structural, functional, and spatial information, amino acid conservation, physicochemical variation, residue mobility, and thermodynamic stability) indicates that this missense variant is not expected to disrupt COL12A1 protein function with a negative predictive value of 80%. In summary, the available evidence is currently insufficient to determine the role of this variant in disease. Therefore, it has been classified as a Variant of Uncertain Significance.

NM_004370.6(COL12A1):c.1733A>G (p.Asp578Gly)

Gene: COL12A1 (collagen type XII alpha 1 chain; minus strand). Cytogenetic location: 6q13.
Variant type: single nucleotide variant.
Coding change: c.1733A>G on transcript NM_004370.6 (MANE Select); coding-DNA position 1733, A replaced by G.
Protein change: p.Asp578Gly; replaces aspartic acid 578 with glycine.
Molecular consequence: missense variant. On other transcripts: intron variant (2).
Genome position (GRCh38, 1-based): chr6:75,183,208, T>C on the plus strand (A>G on the coding strand, the complement: COL12A1 is on the minus strand). VCF-style: chr6-75183208-T-C. GRCh37 (hg19) VCF-style: chr6-75892924-T-C.
Other names: c.1733A>G, p.Asp578Gly (NM_001424113.1, NM_001424114.1, NM_001424115.1); c.73+19512A>G (NM_001424116.1, NM_080645.3); short protein forms D578G.
Identifiers: ClinVar variation 3758325 (VCV003758325.2).